The following is an entry in ClinVar:

NM_152327.5(AK7):c.341T>A (p.Val114Asp)

Gene: AK7 (adenylate kinase 7; plus strand). Cytogenetic location: 14q32.2.
Variant type: single nucleotide variant.
Coding change: c.341T>A on transcript NM_152327.5 (MANE Select); coding-DNA position 341, T replaced by A.
Protein change: p.Val114Asp; replaces valine 114 with aspartic acid.
Molecular consequence: missense variant.
Genome position (GRCh38, 1-based): chr14:96,404,803, T>A. VCF-style: chr14-96404803-T-A. GRCh37 (hg19) VCF-style: chr14-96871140-T-A.
Other names: c.341T>A, p.Val114Asp (NM_001350888.2, NM_001350890.2, NM_001350891.2 and 1 more transcripts); short protein forms V114D.
Identifiers: ClinVar variation 1936953 (VCV001936953.5), dbSNP rs747264573, ClinGen allele CA7337448.
Genomic context (GRCh38, chr14:96,404,803, plus strand): 5'-ATTTTCTTTTTCAGGCCATCTCTCGAGAAGACCTTCTCATGCGCCTGCTGGAGTGTGATG[T>A]TATTATTTATAACATCACTGAGAGCTCACAGCAAATGGAGGAAGCCATCTGGGCAGTCTC-3'
Protein context (NP_689540.2, residues 104-124): DLLMRLLECD[Val114Asp]IIYNITESSQ

ClinVar aggregate classification (germline): Uncertain significance (1 of 4 stars; one submission).

Allele frequency attached by ClinVar (database versions not stated): ExAC 0.00001; gnomAD exomes 0.00001.
gnomAD v4.1: 6 of 1,610,898 alleles (0.00037%); highest among the groups gnomAD compares: Middle Eastern, 0.05%; no homozygotes.

Submission:

Labcorp Genetics (formerly Invitae), Labcorp
Classification: Uncertain significance. Last evaluated: 2022-11-08. Review status: criteria provided, single submitter. Criteria: Invitae Variant Classification Sherloc (09022015). Collection method: clinical testing. Allele origin: germline.
Comment: In summary, the available evidence is currently insufficient to determine the role of this variant in disease. Therefore, it has been classified as a Variant of Uncertain Significance. Advanced modeling of protein sequence and biophysical properties (such as structural, functional, and spatial information, amino acid conservation, physicochemical variation, residue mobility, and thermodynamic stability) performed at Invitae indicates that this missense variant is expected to disrupt AK7 protein function. This variant has not been reported in the literature in individuals affected with AK7-related conditions. This variant is present in population databases (rs747264573, gnomAD 0.003%). This sequence change replaces valine, which is neutral and non-polar, with aspartic acid, which is acidic and polar, at codon 114 of the AK7 protein (p.Val114Asp).